The following is an entry in ClinVar:

NM_000016.6(ACADM):c.881G>C (p.Arg294Thr)

Gene: ACADM (acyl-CoA dehydrogenase medium chain; plus strand). Cytogenetic location: 1p31.1.
Variant type: single nucleotide variant.
Coding change: c.881G>C on transcript NM_000016.6 (MANE Select); coding-DNA position 881, G replaced by C.
Protein change: p.Arg294Thr; replaces arginine 294 with threonine.
Molecular consequence: missense variant.
Genome position (GRCh38, 1-based): chr1:75,750,482, G>C. VCF-style: chr1-75750482-G-C. GRCh37 (hg19) VCF-style: chr1-76216167-G-C.
Other names: c.881G>C (NM_000016.5); c.893G>C, p.Arg298Thr (NM_001127328.3); c.773G>C, p.Arg258Thr (NM_001286042.2); c.980G>C, p.Arg327Thr (NM_001286043.2); c.314G>C, p.Arg105Thr (NM_001286044.2); short protein forms R294T, R298T, R105T, R258T, R327T.
Identifiers: ClinVar variation 226075 (VCV000226075.20), dbSNP rs779759347, ClinGen allele CA913234.

ClinVar aggregate classification (germline): Conflicting classifications of pathogenicity. Review status: criteria provided, conflicting classifications (1 of 4 stars). 7 submissions from 7 submitters: Pathogenic (3); Likely pathogenic (3); Uncertain significance (1). Last evaluated 2026-07-24.

Conditions:
Medium-chain acyl-coenzyme A dehydrogenase deficiency (ACADMD). Also called: ACADM DEFICIENCY; MCADH DEFICIENCY; MCAD Deficiency; Medium chain acyl-CoA dehydrogenase deficiency; CARNITINE DEFICIENCY SECONDARY TO MEDIUM-CHAIN ACYL-CoA DEHYDROGENASE DEFICIENCY; MCADD. Identifiers: Orphanet 42, MedGen C0220710, MONDO:0008721, OMIM 201450.

Allele frequency attached by ClinVar (database versions not stated): ExAC 0.00001; gnomAD exomes below 0.00001 and 0.00002; TOPMed 0.00001.
gnomAD v4.1: 21 of 1,612,416 alleles (0.0013%); highest among the groups gnomAD compares: Non-Finnish European, 0.0018%; no homozygotes.

Submissions (7):

GeneDx
Classification: Uncertain significance. Last evaluated: 2026-07-24. Review status: criteria provided, single submitter. Criteria: GeneDx Variant Classification Process June 2021. Collection method: clinical testing. Allele origin: germline.
Comment: Observed with a second variant in ACADM in unrelated patients with MCAD deficiency in published literature (PMID: 20434380, 15171998, 36068006); Not observed at significant frequency in large population cohorts (gnomAD); In silico analysis supports that this missense variant has a deleterious effect on protein structure/function; Also known as p.(R269T); This variant is associated with the following publications: (PMID: 30675864, 32778825, 15171998, 20434380, 36068006)

Labcorp Genetics (formerly Invitae), Labcorp
Classification: Pathogenic for Medium-chain acyl-coenzyme A dehydrogenase deficiency. Last evaluated: 2026-01-30. Review status: criteria provided, single submitter. Criteria: Invitae Variant Classification Sherloc (09022015). Collection method: clinical testing. Allele origin: germline.
Comment: This sequence change replaces arginine, which is basic and polar, with threonine, which is neutral and polar, at codon 294 of the ACADM protein (p.Arg294Thr). This variant is present in population databases (rs779759347, gnomAD 0.0009%). This missense change has been observed in individual(s) with MCAD deficiency (PMID: 15171998, 30675864). ClinVar contains an entry for this variant (Variation ID: 226075). Invitae Evidence Modeling of protein sequence and biophysical properties (such as structural, functional, and spatial information, amino acid conservation, physicochemical variation, residue mobility, and thermodynamic stability) indicates that this missense variant is expected to disrupt ACADM protein function with a positive predictive value of 80%. For these reasons, this variant has been classified as Pathogenic.

Natera, Inc.
Classification: Likely pathogenic for Medium Chain Acyl-CoA Dehydrogenase Deficiency. Last evaluated: 2025-07-28. Review status: criteria provided, single submitter. Criteria: Natera Variant Classification Schema (03/2026). Collection method: clinical testing. Allele origin: germline.
Comment: The c.881G>C variant in ACADM is a missense variant predicted to cause substitution of arginine to threonine at amino acid 294. This variant is rare in the general population with a frequency below the threshold expected for the associated phenotype(s). This variant has been observed in one or more individuals affected with the associated recessive disease, as either homozygous or compound heterozygous with a second variant (PMID: 15171998, 36068006). This variant has been identified in one or more affected individuals with a phenotype highly consistent with the associated gene (PMID: 36068006). Computational prediction algorithms indicate this variant is likely to affect gene or protein function. Given the available evidence, this variant is classified as Likely Pathogenic.

Baylor Genetics
Classification: Pathogenic for Medium-chain acyl-coenzyme A dehydrogenase deficiency. Last evaluated: 2024-03-25. Review status: criteria provided, single submitter. Criteria: ACMG Guidelines, 2015. Collection method: clinical testing. Allele origin: unknown.

Women's Health and Genetics/Laboratory Corporation of America, LabCorp
Classification: Likely pathogenic for Medium-chain acyl-coenzyme A dehydrogenase deficiency. Last evaluated: 2023-06-15. Review status: criteria provided, single submitter. Criteria: LabCorp Variant Classification Summary - May 2015. Collection method: clinical testing. Allele origin: germline.
Comment: Variant summary: ACADM c.881G>C (p.Arg294Thr) results in a non-conservative amino acid change located in the C-terminal domain (IPR009075) of the encoded protein sequence. Four of five in-silico tools predict a damaging effect of the variant on protein function. The variant allele was found at a frequency of 4e-06 in 250574 control chromosomes (i.e. 1 allele in gnomAD v2.1). The available data on variant occurrences in the general population are insufficient to allow any conclusion about variant significance. c.881G>C has been reported in the literature in at least 3 individuals diagnosed with Medium Chain Acyl-CoA Dehydrogenase Deficiency (MCADD) (e.g. McKinney_2004, Adhikari_2020, Li_2022). To our knowledge, no experimental evidence demonstrating an impact on protein function has been reported. However, nearby missense changes have been reported in affected individuals (HGMD), indicating a functional importance for the protein region. The following publications have been ascertained in the context of this evaluation (PMID: 32778825, 36068006, 15171998, 30675864). Four clinical diagnostic laboratories have submitted clinical-significance assessments for this variant to ClinVar after 2014 and all classified the variant as pathogenic (n=2)/likely pathogenic (n=2). Based on the evidence outlined above, the variant was classified as likely pathogenic.

Fulgent Genetics
Classification: Likely pathogenic for Medium-chain acyl-coenzyme A dehydrogenase deficiency. Last evaluated: 2018-10-31. Review status: criteria provided, single submitter. Criteria: ACMG Guidelines, 2015. Collection method: clinical testing. Allele origin: unknown.

ARUP Laboratories, Molecular Genetics and Genomics, ARUP Laboratories
Classification: Pathogenic for Medium-chain acyl-coenzyme A dehydrogenase deficiency. Last evaluated: 2015-02-20. Review status: criteria provided, single submitter. Criteria: ACMG Guidelines, 2015. Collection method: clinical testing. Allele origin: germline. Inheritance: Autosomal recessive inheritance. Observed: 1 heterozygote.

Literature cited by the submitters: PubMed 15171998 (cited by 3 submitters); PubMed 30675864 (cited by Labcorp Genetics (formerly Invitae), Labcorp and Women's Health and Genetics/Laboratory Corporation of America, LabCorp); PubMed 36068006 (cited by Natera, Inc. and Women's Health and Genetics/Laboratory Corporation of America, LabCorp); PubMed 32778825 (cited by Women's Health and Genetics/Laboratory Corporation of America, LabCorp).